The following is an entry in ClinVar:

ClinVar aggregate classification (germline): Conflicting classifications of pathogenicity. Review status: criteria provided, conflicting classifications (1 of 4 stars). 4 submissions from 4 submitters: Uncertain significance (1); Likely benign (3). Last evaluated 2025-08-29.

Conditions:
Long QT syndrome (LQTS). Identifiers: MedGen C0023976, MeSH D008133, MONDO:0002442. Disease mechanism: loss of function. Inheritance: Various modes of inheritance.
Cardiovascular phenotype. Identifiers: MedGen CN230736.

Allele frequency attached by ClinVar (database versions not stated): ExAC 0.00004; gnomAD 0.00006 and 0.00007; gnomAD exomes 0.00006 and 0.00008; TOPMed 0.00009.
gnomAD v4.1: 127 of 1,613,926 alleles (0.0079%); highest among the groups gnomAD compares: African/African-American, 0.011%; no homozygotes.

Submissions (4):

Labcorp Genetics (formerly Invitae), Labcorp
Classification: Likely benign for Long QT syndrome. Last evaluated: 2025-08-29. Review status: criteria provided, single submitter. Criteria: Invitae Variant Classification Sherloc (09022015). Collection method: clinical testing. Allele origin: germline.

GeneDx
Classification: Uncertain significance. Last evaluated: 2024-05-31. Review status: criteria provided, single submitter. Criteria: GeneDx Variant Classification Process June 2021. Collection method: clinical testing. Allele origin: germline. Affected: yes.
Comment: Has not been previously published as pathogenic or benign to our knowledge; In silico analysis supports that this missense variant does not alter protein structure/function

Ambry Genetics
Classification: Likely benign for Cardiovascular phenotype. Last evaluated: 2022-02-24. Review status: criteria provided, single submitter. Criteria: Ambry Variant Classification Scheme 2023. Collection method: clinical testing. Allele origin: germline.

Women's Health and Genetics/Laboratory Corporation of America, LabCorp
Classification: Likely benign. Last evaluated: 2020-04-27. Review status: criteria provided, single submitter. Criteria: LabCorp Variant Classification Summary - May 2015. Collection method: clinical testing. Allele origin: germline.
Comment: Variant summary: ANK2 c.3931G>A (p.Val1311Ile) results in a conservative amino acid change in the encoded protein sequence. Three of five in-silico tools predict a damaging effect of the variant on protein function. The variant allele was found at a frequency of 6.4e-05 in 251292 control chromosomes. The observed variant frequency is approximately 6.4- fold the estimated maximal expected allele frequency for a pathogenic variant in ANK2 causing Arrhythmia phenotype (1e-05), strongly suggesting that the variant is benign. To our knowledge, no occurrence of c.3931G>A in individuals affected with Arrhythmia and no experimental evidence demonstrating its impact on protein function have been reported. Two clinical diagnostic laboratories have submitted clinical-significance assessments for this variant to ClinVar after 2014 without evidence for independent evaluation. All laboratories classified the variant as uncertain significance. Based on the evidence outlined above, the variant was classified as likely benign.

NM_001148.6(ANK2):c.3931G>A (p.Val1311Ile)

Gene: ANK2 (ankyrin 2; plus strand). Cytogenetic location: 4q26.
Variant type: single nucleotide variant.
Coding change: c.3931G>A on transcript NM_001148.6 (MANE Select); coding-DNA position 3931, G replaced by A.
Protein change: p.Val1311Ile; replaces valine 1311 with isoleucine.
Molecular consequence: missense variant.
Genome position (GRCh38, 1-based): chr4:113,341,725, G>A. VCF-style: chr4-113341725-G-A. GRCh37 (hg19) VCF-style: chr4-114262881-G-A.
Other names: p.V1311I:GTT>ATT; c.3904G>A, p.Val1302Ile (NM_001127493.3); c.3943G>A, p.Val1315Ile (NM_001354225.2); c.3832G>A, p.Val1278Ile (NM_001354228.2, NM_001354258.2); c.3910G>A, p.Val1304Ile (NM_001354230.2); c.3973G>A, p.Val1325Ile (NM_001354231.2, NM_001354242.2); c.3967G>A, p.Val1323Ile (NM_001354232.2); c.3928G>A, p.Val1310Ile (NM_001354235.2, NM_001354246.2, NM_001354265.2); and 32 more; short protein forms V1302I, V1311I, V1236I, V1240I, V1245I, V1268I, V1277I, V1294I.
Identifiers: ClinVar variation 190568 (VCV000190568.17), dbSNP rs34065266, ClinGen allele CA300898.